The following is an entry in ClinVar:

NM_001323289.2(CDKL5):c.655C>A (p.Gln219Lys)

Gene: CDKL5 (cyclin dependent kinase like 5; plus strand). Cytogenetic location: Xp22.13.
Variant type: single nucleotide variant.
Coding change: c.655C>A on transcript NM_001323289.2 (MANE Select); coding-DNA position 655, C replaced by A.
Protein change: p.Gln219Lys; replaces glutamine 219 with lysine.
Molecular consequence: missense variant.
Genome position (GRCh38, 1-based): chrX:18,588,054, C>A. VCF-style: chrX-18588054-C-A. GRCh37 (hg19) VCF-style: chrX-18606174-C-A.
Other names: NM_003159.3:c.655C>A; c.655C>A, p.Gln219Lys (NM_001037343.2, NM_003159.3); short protein forms Q219K.
Identifiers: ClinVar variation 2664636 (VCV002664636.2), dbSNP rs2518857456.
Genomic context (GRCh38, chrX:18,588,054, plus strand): 5'-TGTATTCTTGGGGAGCTTAGCGATGGACAGCCTTTATTTCCTGGAGAAAGTGAAATTGAC[C>A]AACTTTTTACTATTCAGAAGGTGCTAGGACCACTTCCATCTGAGCAGATGAAGCTTTTCT-3'
Protein context (NP_001310218.1, residues 209-229): PLFPGESEID[Gln219Lys]LFTIQKVLGP

ClinVar aggregate classification (germline): Uncertain significance. Review status: criteria provided, single submitter (1 of 4 stars). 2 submissions from 2 submitters: Uncertain significance (1). 1 of the submissions does not count toward it. Last evaluated 2024-12-23.

Conditions:
CDKL5 disorder. Identifiers: MedGen CN296942, MONDO:0100039.

Submissions (2):

Centre for Population Genomics, CPG
Classification: Uncertain significance for CDKL5 disorder. Last evaluated: 2024-12-23. Review status: criteria provided, single submitter. Criteria: McKnight et al. (Hum Mutat. 2022). Collection method: curation. Allele origin: germline. Inheritance: X-linked inheritance.
Comment: This variant has been collected from RettBASE and curated to current modified ACMG/AMP criteria. Based on the classification scheme defined by the ClinGen Rett/Angelman-like Expert Panel for Rett/AS-like Disorders Specifications to the ACMG/AMP Variant Interpretation Guidelines VCEP 3.0, this variant is classified as variant of uncertain significance. At least the following criteria are met: This variant has been identified as a de novo occurrence in an individual with CDKL5 disorder without confirmation of paternity and maternity (PM6). Computational prediction analysis tools suggests a deleterious impact (REVEL score>= 0.75) (PP3). This variant is absent from gnomAD (PM2_Supporting).

Genetics and Genomic Medicine Centre, NeuroGen Healthcare, NeuroGen Healthcare
Classification: Likely pathogenic. Last evaluated: 2021-09-16. Review status: no assertion criteria provided. Collection method: clinical testing. Allele origin: unknown. Affected: yes. Not counted in ClinVar's aggregate classification.